The following is an entry in ClinVar:

NM_000059.4(BRCA2):c.4661G>A (p.Ser1554Asn)

Gene: BRCA2 (BRCA2 DNA repair associated; plus strand). Cytogenetic location: 13q13.1.
Variant type: single nucleotide variant.
Coding change: c.4661G>A on transcript NM_000059.4 (MANE Select); coding-DNA position 4661, G replaced by A.
Protein change: p.Ser1554Asn; replaces serine 1554 with asparagine.
Molecular consequence: missense variant. On other transcripts: non-coding transcript variant (1), intron variant (2).
Genome position (GRCh38, 1-based): chr13:32,339,016, G>A. VCF-style: chr13-32339016-G-A. GRCh37 (hg19) VCF-style: chr13-32913153-G-A.
Other names: c.4661G>A, p.Ser1554Asn (NM_001406719.1, NM_001406720.1); c.1910-5542G>A (NM_001406721.1); c.425-5542G>A (NM_001406722.1); short protein forms S1554N.
Identifiers: ClinVar variation 2596661 (VCV002596661.3), dbSNP rs876661225, ClinGen allele CA387782747.

ClinVar aggregate classification (germline): Uncertain significance. Review status: criteria provided, multiple submitters, no conflicts (2 of 4 stars). 2 submissions from 2 submitters: Uncertain significance (2). Last evaluated 2025-09-11.

Conditions:
Hereditary cancer-predisposing syndrome. Also called: Tumor predisposition; Hereditary Cancer Syndrome; Hereditary neoplastic syndrome; Neoplastic Syndromes, Hereditary. Identifiers: Orphanet 140162, MedGen C0027672, MeSH D009386, MONDO:0015356.

Submissions (2):

Color Diagnostics, LLC DBA Color Health
Classification: Uncertain significance for Hereditary cancer-predisposing syndrome. Last evaluated: 2025-09-11. Review status: criteria provided, single submitter. Criteria: ACMG Guidelines, 2015. Collection method: clinical testing. Allele origin: germline.
Comment: This missense variant replaces serine with asparagine at codon 1554 of the BRCA2 protein. Computational prediction suggests that this variant may not impact protein structure and function. To our knowledge, functional studies have not been reported for this variant. This variant has not been reported in individuals affected with BRCA2-related disorders in the literature. This variant has not been identified in the general population by the Genome Aggregation Database (gnomAD). The available evidence is insufficient to determine the role of this variant in disease conclusively. Therefore, this variant is classified as a Variant of Uncertain Significance.

Ambry Genetics
Classification: Uncertain significance for Hereditary cancer-predisposing syndrome. Last evaluated: 2023-07-28. Review status: criteria provided, single submitter. Criteria: Ambry Variant Classification Scheme 2023. Collection method: clinical testing. Allele origin: germline.
Comment: The p.S1554N variant (also known as c.4661G>A), located in coding exon 10 of the BRCA2 gene, results from a G to A substitution at nucleotide position 4661. The serine at codon 1554 is replaced by asparagine, an amino acid with highly similar properties. This amino acid position is conserved. In addition, this alteration is predicted to be tolerated by in silico analysis. Since supporting evidence is limited at this time, the clinical significance of this alteration remains unclear.